The following is an entry in ClinVar:

ClinVar aggregate classification (germline): Uncertain significance (1 of 4 stars; one submission).

Conditions:
Developmental and epileptic encephalopathy, 27 (DEE27). Also called: Epileptic encephalopathy, early infantile, 27; GRIN2B-Related Neurodevelopmental Disorder. Identifiers: Orphanet 3451, MedGen C4015316, MONDO:0014505, OMIM 616139.
Intellectual developmental disorder, autosomal dominant 6, with or without seizures. Also called: Intellectual disability, autosomal dominant 6; GRIN2B-related developmental delay, intellectual disability and autism spectrum disorder. Identifiers: Orphanet 589547, MedGen C3151411, MONDO:0013509, OMIM 613970.

gnomAD v4.1: 1 of 1,614,046 alleles (0.000062%); highest among the groups gnomAD compares: East Asian, 0.0022%; no homozygotes.

Submission:

Labcorp Genetics (formerly Invitae), Labcorp
Classification: Uncertain significance for Developmental and epileptic encephalopathy, 27; Intellectual developmental disorder, autosomal dominant 6, with or without seizures. Last evaluated: 2024-08-13. Review status: criteria provided, single submitter. Criteria: Invitae Variant Classification Sherloc (09022015). Collection method: clinical testing. Allele origin: germline.
Comment: This sequence change replaces proline, which is neutral and non-polar, with leucine, which is neutral and non-polar, at codon 1010 of the GRIN2B protein (p.Pro1010Leu). This variant is present in population databases (no rsID available, gnomAD 0.06%). This variant has not been reported in the literature in individuals affected with GRIN2B-related conditions. Advanced modeling of protein sequence and biophysical properties (such as structural, functional, and spatial information, amino acid conservation, physicochemical variation, residue mobility, and thermodynamic stability) performed at Invitae indicates that this missense variant is not expected to disrupt GRIN2B protein function with a negative predictive value of 95%. In summary, the available evidence is currently insufficient to determine the role of this variant in disease. Therefore, it has been classified as a Variant of Uncertain Significance.

NM_000834.5(GRIN2B):c.3029C>T (p.Pro1010Leu)

Gene: GRIN2B (glutamate ionotropic receptor NMDA type subunit 2B; minus strand). Cytogenetic location: 12p13.1.
Variant type: single nucleotide variant.
Coding change: c.3029C>T on transcript NM_000834.5 (MANE Select); coding-DNA position 3029, C replaced by T.
Protein change: p.Pro1010Leu; replaces proline 1010 with leucine.
Molecular consequence: missense variant.
Genome position (GRCh38, 1-based): chr12:13,564,209, G>A on the plus strand (C>T on the coding strand, the complement: GRIN2B is on the minus strand). VCF-style: chr12-13564209-G-A. GRCh37 (hg19) VCF-style: chr12-13717143-G-A.
Other names: c.3029C>T, p.Pro1010Leu (NM_001413992.1); short protein forms P1010L.
Identifiers: ClinVar variation 3752885 (VCV003752885.2).
Genomic context (GRCh38, chr12:13,564,209, plus strand): 5'-GAGGAGGGGAGGCCGATGTCCAGGGGCTTCTTGCTGATGGACCTGGACTGGGTGGTGAAG[G>A]GTGGGTTGTCACAGTCGTAGAGCCCATCGATGGAGCTGGCACTGCCAATACTATGGGGCC-3'
Protein context (NP_000825.2, residues 1000-1020): IDGLYDCDNP[Pro1010Leu]FTTQSRSISK